The following is an entry in ClinVar:

ClinVar aggregate classification (germline): Benign/Likely benign. Review status: criteria provided, multiple submitters, no conflicts (2 of 4 stars). 8 submissions from 8 submitters: Benign (5); Likely benign (2). 1 of the submissions does not count toward it. Last evaluated 2026-02-03.

Conditions:
Ataxia, early-onset, with oculomotor apraxia and hypoalbuminemia (EAOH). Also called: ATAXIA-OCULOMOTOR APRAXIA SYNDROME; ATAXIA-TELANGIECTASIA-LIKE SYNDROME; Ataxia-oculomotor apraxia type 1. Identifiers: Orphanet 1168, MedGen C1859598, MONDO:0008842, OMIM 208920.

Submissions (8):

Labcorp Genetics (formerly Invitae), Labcorp
Classification: Likely benign. Last evaluated: 2026-02-03. Review status: criteria provided, single submitter. Criteria: Invitae Variant Classification Sherloc (09022015). Collection method: clinical testing. Allele origin: germline.

Blueprint Genetics
Classification: Likely benign. Last evaluated: 2024-11-27. Review status: criteria provided, single submitter. Criteria: ACMG Guidelines, 2015. Collection method: clinical testing. Allele origin: germline.

ARUP Laboratories, Molecular Genetics and Genomics, ARUP Laboratories
Classification: Benign for Ataxia, early-onset, with oculomotor apraxia and hypoalbuminemia. Last evaluated: 2023-11-29. Review status: criteria provided, single submitter. Criteria: ARUP Molecular Germline Variant Investigation Process 2024. Collection method: clinical testing. Allele origin: germline.

GeneDx
Classification: Benign. Last evaluated: 2018-06-11. Review status: criteria provided, single submitter. Criteria: GeneDx Variant Classification Process June 2021. Collection method: clinical testing. Allele origin: germline. Affected: yes.

Athena Diagnostics
Classification: Benign. Last evaluated: 2017-06-09. Review status: criteria provided, single submitter. Criteria: Athena Diagnostics Criteria. Collection method: clinical testing. Allele origin: germline.

Laboratory for Molecular Medicine, Mass General Brigham Personalized Medicine
Classification: Benign. Last evaluated: 2016-03-29. Review status: criteria provided, single submitter. Criteria: LMM Criteria. Collection method: clinical testing. Allele origin: germline.
Comment: Variant identified in a genome or exome case(s) and assessed due to predicted null impact of the variant or pathogenic assertions in the literature or databases. Disclaimer: This variant has not undergone full assessment. The following are preliminary notes: Frequency

Eurofins Ntd Llc (ga)
Classification: Benign. Last evaluated: 2014-12-02. Review status: criteria provided, single submitter. Criteria: EGL Classification Definitions 2015. Collection method: clinical testing. Allele origin: germline. Observed: 1 variant allele, 1 heterozygote.

Mayo Clinic Laboratories, Mayo Clinic
Classification: Benign. Last evaluated: 2016-03-09. Review status: no assertion criteria provided. Collection method: clinical testing. Allele origin: unknown. Not counted in ClinVar's aggregate classification.

NM_001195248.2(APTX):c.484-25_484-5del

Gene: APTX (aprataxin; minus strand). Cytogenetic location: 9p21.1.
Variant type: Deletion.
Coding change: c.484-25_484-5del on transcript NM_001195248.2 (MANE Select); 25 bases into the intron before coding-DNA position 484 through 5 bases into the intron before coding-DNA position 484, 21 bases deleted (GTTTTTTTTTTTGTTTTTTTT).
Molecular consequence: intron variant.
Genome position (GRCh38, 1-based): chr9:32,986,035-32,986,055, AAAAAAAACAAAAAAAAAAAC deleted on the plus strand (GTTTTTTTTTTTGTTTTTTTT on the coding strand, the reverse complement: APTX is on the minus strand); deleting any 21 consecutive bases within chr9:32,986,035-32,986,063 gives the same sequence; the c. name uses the placement nearest the transcript's 3' end. VCF-style (leftmost placement, unchanged base first): chr9-32986034-AAAAAAAAACAAAAAAAAAAAC-A. GRCh37 (hg19) VCF-style: chr9-32986032-AAAAAAAAACAAAAAAAAAAAC-A.
Other names: c.484-25_484-5del21 (NM_175073.2); c.322-25_322-5del (NM_001369001.1, NM_001369000.1, NM_001195250.2 and 1 more transcripts); c.484-25_484-5del (NM_001368996.1, NM_001368995.1, NM_001368997.1 and 6 more transcripts); c.220-25_220-5del (NM_001369002.1, NM_001369003.1, NM_001369004.1 and 5 more transcripts); c.268-25_268-5del (NM_001195252.2); c.484-25_484-5delGTTTTTTTTTTTGTTTTTTTT (NM_175073.2).
Identifiers: ClinVar variation 198285 (VCV000198285.36), dbSNP rs200922655, ClinGen allele CA203350.